The following is an entry in ClinVar:

NM_015213.4(DENND5A):c.148G>A (p.Gly50Ser)

Gene: DENND5A (DENN domain containing 5A; minus strand). Cytogenetic location: 11p15.4.
Variant type: single nucleotide variant.
Coding change: c.148G>A on transcript NM_015213.4 (MANE Select); coding-DNA position 148, G replaced by A.
Protein change: p.Gly50Ser; replaces glycine 50 with serine.
Molecular consequence: missense variant. On other transcripts: 5 prime UTR variant (1), non-coding transcript variant (1), intron variant (1).
Genome position (GRCh38, 1-based): chr11:9,207,594, C>T on the plus strand (G>A on the coding strand, the complement: DENND5A is on the minus strand). VCF-style: chr11-9207594-C-T. GRCh37 (hg19) VCF-style: chr11-9229141-C-T.
Other names: c.148G>A, p.Gly50Ser (NM_001243254.2, NM_001348748.1); c.-177G>A (NM_001348750.2); c.110-812G>A (NM_001348749.2); c.148G>A (NM_015213.3); short protein forms G50S.
Identifiers: ClinVar variation 2082459 (VCV002082459.2), dbSNP rs377212650, ClinGen allele CA379603342.
Genomic context (GRCh38, chr11:9,207,594, plus strand): 5'-GTGTTCTCAATTTTGTTTTGTTTTTACCTTCAGTCGTACTTGAAATGAAAGGGCTGGCAC[C>T]ATCCCTGGCTTTAGAAGCCTGTATGTACTGGCATAATGCTATATGATAAATGAAATAACA-3'
Protein context (NP_056028.2, residues 40-60): QYIQASKARD[Gly50Ser]ASPFISSTTE

ClinVar aggregate classification (germline): Uncertain significance. Review status: criteria provided, multiple submitters, no conflicts (2 of 4 stars). 2 submissions from 2 submitters: Uncertain significance (2). Last evaluated 2025-03-26.

Conditions:
Inborn genetic diseases. Identifiers: MedGen C0950123, MeSH D030342.

Allele frequency attached by ClinVar (database versions not stated): gnomAD exomes below 0.00001.

Submissions (2):

Ambry Genetics
Classification: Uncertain significance for Inborn genetic diseases. Last evaluated: 2025-03-26. Review status: criteria provided, single submitter. Criteria: Ambry Variant Classification Scheme 2023. Collection method: clinical testing. Allele origin: germline.

Labcorp Genetics (formerly Invitae), Labcorp
Classification: Uncertain significance. Last evaluated: 2022-06-29. Review status: criteria provided, single submitter. Criteria: Invitae Variant Classification Sherloc (09022015). Collection method: clinical testing. Allele origin: germline.
Comment: This sequence change replaces glycine, which is neutral and non-polar, with serine, which is neutral and polar, at codon 50 of the DENND5A protein (p.Gly50Ser). This variant is present in population databases (no rsID available, gnomAD 0.003%). This variant has not been reported in the literature in individuals affected with DENND5A-related conditions. Algorithms developed to predict the effect of missense changes on protein structure and function are either unavailable or do not agree on the potential impact of this missense change (SIFT: "Deleterious"; PolyPhen-2: "Benign"; Align-GVGD: "Class C0"). Algorithms developed to predict the effect of sequence changes on RNA splicing suggest that this variant may disrupt the consensus splice site. In summary, the available evidence is currently insufficient to determine the role of this variant in disease. Therefore, it has been classified as a Variant of Uncertain Significance.